The following is an entry in ClinVar:

ClinVar aggregate classification (germline): Uncertain significance (1 of 4 stars; one submission).

Conditions:
Charcot-Marie-Tooth disease type 2. Also called: Charcot-Marie-Tooth type 2. Identifiers: Orphanet 64746, MedGen C0270914, MONDO:0018993.

Allele frequency attached by ClinVar (database versions not stated): ExAC 0.00001; ESP Exome Variant Server 0.00008.
gnomAD v4.1: 2 of 1,611,368 alleles (0.00012%); highest among the groups gnomAD compares: African/African-American, 0.0013%; no homozygotes.

Submission:

Labcorp Genetics (formerly Invitae), Labcorp
Classification: Uncertain significance for Charcot-Marie-Tooth disease type 2. Last evaluated: 2024-01-19. Review status: criteria provided, single submitter. Criteria: Invitae Variant Classification Sherloc (09022015). Collection method: clinical testing. Allele origin: germline.
Comment: This sequence change replaces phenylalanine, which is neutral and non-polar, with leucine, which is neutral and non-polar, at codon 1308 of the KIF1B protein (p.Phe1308Leu). This variant is present in population databases (rs371863923, gnomAD 0.01%). This variant has not been reported in the literature in individuals affected with KIF1B-related conditions. An algorithm developed to predict the effect of missense changes on protein structure and function (PolyPhen-2) suggests that this variant is likely to be tolerated. In summary, the available evidence is currently insufficient to determine the role of this variant in disease. Therefore, it has been classified as a Variant of Uncertain Significance.

NM_001365951.3(KIF1B):c.4060T>C (p.Phe1354Leu)

Gene: KIF1B (kinesin family member 1B; plus strand). Cytogenetic location: 1p36.22.
Variant type: single nucleotide variant.
Coding change: c.4060T>C on transcript NM_001365951.3 (MANE Select); coding-DNA position 4060, T replaced by C.
Protein change: p.Phe1354Leu; replaces phenylalanine 1354 with leucine.
Molecular consequence: missense variant.
Genome position (GRCh38, 1-based): chr1:10,360,933, T>C. VCF-style: chr1-10360933-T-C. GRCh37 (hg19) VCF-style: chr1-10420991-T-C.
Other names: c.4060T>C, p.Phe1354Leu (NM_001365952.1); c.3922T>C, p.Phe1308Leu (NM_015074.3); short protein forms F1354L, F1308L.
Identifiers: ClinVar variation 2865446 (VCV002865446.3), dbSNP rs371863923, ClinGen allele CA581982.